The following is an entry in ClinVar:

NM_006361.6(HOXB13):c.368G>T (p.Arg123Leu)

Gene: HOXB13 (homeobox B13; minus strand). Cytogenetic location: 17q21.32.
Variant type: single nucleotide variant.
Coding change: c.368G>T on transcript NM_006361.6 (MANE Select); coding-DNA position 368, G replaced by T.
Protein change: p.Arg123Leu; replaces arginine 123 with leucine.
Molecular consequence: missense variant.
Genome position (GRCh38, 1-based): chr17:48,728,226, C>A on the plus strand (G>T on the coding strand, the complement: HOXB13 is on the minus strand). VCF-style: chr17-48728226-C-A. GRCh37 (hg19) VCF-style: chr17-46805588-C-A.
Other names: short protein forms R123L.
Identifiers: ClinVar variation 967033 (VCV000967033.13), dbSNP rs201428095, ClinGen allele CA400107605.
Genomic context (GRCh38, chr17:48,728,226, plus strand): 5'-TAACTGGCCATAGGCTGGTAGGTTCCCGGATATCCCGGATAGAAGGCAAACTCAGTGGGG[C>A]GGCTGGGGTACTCTTCCCCGGCCGTGGGAGTCTCCGCGGGGTACGCGGCCAGGGTGGCTG-3'
Protein context (NP_006352.2, residues 113-133): TPTAGEEYPS[Arg123Leu]PTEFAFYPGY

ClinVar aggregate classification (germline): Uncertain significance. Review status: criteria provided, multiple submitters, no conflicts (2 of 4 stars). 2 submissions from 2 submitters: Uncertain significance (2). Last evaluated 2025-06-05.

Conditions:
Hereditary cancer-predisposing syndrome. Also called: Hereditary neoplastic syndrome; Neoplastic Syndromes, Hereditary; Hereditary Cancer Syndrome; Tumor predisposition. Identifiers: Orphanet 140162, MedGen C0027672, MeSH D009386, MONDO:0015356.

Submissions (2):

Labcorp Genetics (formerly Invitae), Labcorp
Classification: Uncertain significance. Last evaluated: 2025-06-05. Review status: criteria provided, single submitter. Criteria: Invitae Variant Classification Sherloc (09022015). Collection method: clinical testing. Allele origin: germline.
Comment: This sequence change replaces arginine, which is basic and polar, with leucine, which is neutral and non-polar, at codon 123 of the HOXB13 protein (p.Arg123Leu). This variant is not present in population databases (gnomAD no frequency). This variant has not been reported in the literature in individuals affected with HOXB13-related conditions. ClinVar contains an entry for this variant (Variation ID: 967033). Invitae Evidence Modeling of protein sequence and biophysical properties (such as structural, functional, and spatial information, amino acid conservation, physicochemical variation, residue mobility, and thermodynamic stability) has been performed for this missense variant. However, the output from this modeling did not meet the statistical confidence thresholds required to predict the impact of this variant on HOXB13 protein function. In summary, the available evidence is currently insufficient to determine the role of this variant in disease. Therefore, it has been classified as a Variant of Uncertain Significance.

Ambry Genetics
Classification: Uncertain significance for Hereditary cancer-predisposing syndrome. Last evaluated: 2025-01-19. Review status: criteria provided, single submitter. Criteria: Ambry Variant Classification Scheme 2023. Collection method: clinical testing. Allele origin: germline.
Comment: The p.R123L variant (also known as c.368G>T), located in coding exon 1 of the HOXB13 gene, results from a G to T substitution at nucleotide position 368. The arginine at codon 123 is replaced by leucine, an amino acid with dissimilar properties. This amino acid position is conserved. In addition, this alteration is predicted to be tolerated by in silico analysis. Since supporting evidence is limited at this time, the clinical significance of this alteration remains unclear.